The following is an entry in ClinVar:

NM_052947.4(ALPK2):c.28C>T (p.Pro10Ser)

Gene: ALPK2 (alpha kinase 2; minus strand). Cytogenetic location: 18q21.32.
Variant type: single nucleotide variant.
Coding change: c.28C>T on transcript NM_052947.4 (MANE Select); coding-DNA position 28, C replaced by T.
Protein change: p.Pro10Ser; replaces proline 10 with serine.
Molecular consequence: missense variant.
Genome position (GRCh38, 1-based): chr18:58,611,770, G>A on the plus strand (C>T on the coding strand, the complement: ALPK2 is on the minus strand). VCF-style: chr18-58611770-G-A. GRCh37 (hg19) VCF-style: chr18-56279002-G-A.
Other names: short protein forms P10S.
Identifiers: ClinVar variation 1797417 (VCV001797417.2), dbSNP rs768104483, ClinGen allele CA8977563.
Genomic context (GRCh38, chr18:58,611,770, plus strand): 5'-CAGCGTCTGACTTCTCAGGAACCTTCTGGGAAAGCAATGTAGATAAAAAACACAGCGGGG[G>A]CCTCTGGGGCCCTTCGGAGTCTTTCATCCTTTCATGCCGCACCAAATCTGAAAAAAAAAA-3'
Protein context (NP_443179.3, residues 1-20): MKDSEGPQR[Pro10Ser]PLCFLSTLLS

ClinVar aggregate classification (germline): Uncertain significance (1 of 4 stars; one submission).

Allele frequency attached by ClinVar (database versions not stated): gnomAD exomes below 0.00001; ExAC 0.00001; TOPMed 0.00002; gnomAD 0.00004.
gnomAD v4.1: 9 of 1,605,360 alleles (0.00056%); highest among the groups gnomAD compares: African/African-American, 0.0094%; no homozygotes.

Submission:

Ambry Genetics
Classification: Uncertain significance. Last evaluated: 2022-09-19. Review status: criteria provided, single submitter. Criteria: Ambry Variant Classification Scheme 2023. Collection method: clinical testing. Allele origin: germline.
Comment: The p.P10S variant (also known as c.28C>T), located in coding exon 1 of the ALPK2 gene, results from a C to T substitution at nucleotide position 28. The proline at codon 10 is replaced by serine, an amino acid with similar properties. This amino acid position is conserved. In addition, this alteration is predicted to be tolerated by in silico analysis. Since supporting evidence is limited at this time, the clinical significance of this alteration remains unclear.